The following is an entry in ClinVar:

ClinVar aggregate classification (germline): Uncertain significance. Review status: criteria provided, multiple submitters, no conflicts (2 of 4 stars). 2 submissions from 2 submitters: Uncertain significance (2). Last evaluated 2026-01-28.

Conditions:
RAI1-related disorder. Also called: RAI1-related condition.

Allele frequency attached by ClinVar (database versions not stated): gnomAD 0.00001; TOPMed 0.00001; ExAC 0.00002; gnomAD exomes 0.00002; ESP Exome Variant Server 0.00008.
gnomAD v4.1: 13 of 1,613,780 alleles (0.00081%); highest among the groups gnomAD compares: South Asian, 0.0077%; no homozygotes.

Submissions (2):

PreventionGenetics, part of Exact Sciences
Classification: Uncertain significance for RAI1-related condition. Last evaluated: 2026-01-28. Review status: criteria provided, single submitter. Criteria: ACMG Guidelines, 2015. Collection method: clinical testing. Allele origin: germline.
Comment: The RAI1 c.4087G>A variant is predicted to result in the amino acid substitution p.Asp1363Asn. To our knowledge, this variant has not been reported in the literature. This variant is reported in 0.0065% of alleles in individuals of South Asian descent in gnomAD. At this time, the clinical significance of this variant is uncertain due to the absence of conclusive functional and genetic evidence.

Labcorp Genetics (formerly Invitae), Labcorp
Classification: Uncertain significance. Last evaluated: 2023-07-13. Review status: criteria provided, single submitter. Criteria: Invitae Variant Classification Sherloc (09022015). Collection method: clinical testing. Allele origin: germline.
Comment: In summary, the available evidence is currently insufficient to determine the role of this variant in disease. Therefore, it has been classified as a Variant of Uncertain Significance. Advanced modeling of protein sequence and biophysical properties (such as structural, functional, and spatial information, amino acid conservation, physicochemical variation, residue mobility, and thermodynamic stability) performed at Invitae indicates that this missense variant is not expected to disrupt RAI1 protein function. This sequence change replaces aspartic acid, which is acidic and polar, with asparagine, which is neutral and polar, at codon 1363 of the RAI1 protein (p.Asp1363Asn). This variant is present in population databases (rs368361158, gnomAD 0.007%). This variant has not been reported in the literature in individuals affected with RAI1-related conditions. ClinVar contains an entry for this variant (Variation ID: 1478405).

NM_030665.4(RAI1):c.4087G>A (p.Asp1363Asn)

Gene: RAI1 (retinoic acid induced 1; plus strand). Cytogenetic location: 17p11.2.
Variant type: single nucleotide variant.
Coding change: c.4087G>A on transcript NM_030665.4 (MANE Select); coding-DNA position 4087, G replaced by A.
Protein change: p.Asp1363Asn; replaces aspartic acid 1363 with asparagine.
Molecular consequence: missense variant.
Genome position (GRCh38, 1-based): chr17:17,797,035, G>A. VCF-style: chr17-17797035-G-A. GRCh37 (hg19) VCF-style: chr17-17700349-G-A.
Other names: c.4087G>A (NM_030665.3); short protein forms D1363N.
Identifiers: ClinVar variation 1478405 (VCV001478405.9), dbSNP rs368361158, ClinGen allele CA8418888.